The following is an entry in ClinVar:

NM_001365999.1(SZT2):c.5765G>C (p.Arg1922Pro)

Gene: SZT2 (SZT2 subunit of KICSTOR complex; plus strand). Cytogenetic location: 1p34.2.
Variant type: single nucleotide variant.
Coding change: c.5765G>C on transcript NM_001365999.1 (MANE Select); coding-DNA position 5765, G replaced by C.
Protein change: p.Arg1922Pro; replaces arginine 1922 with proline.
Molecular consequence: missense variant.
Genome position (GRCh38, 1-based): chr1:43,433,151, G>C. VCF-style: chr1-43433151-G-C. GRCh37 (hg19) VCF-style: chr1-43898822-G-C.
Other names: c.5594G>C, p.Arg1865Pro (NM_015284.4); short protein forms R1922P, R1865P.
Identifiers: ClinVar variation 1036757 (VCV001036757.6), dbSNP rs200778925, ClinGen allele CA340026412.

ClinVar aggregate classification (germline): Uncertain significance (1 of 4 stars; one submission).

gnomAD v4.1: 2 of 1,613,994 alleles (0.00012%); highest among the groups gnomAD compares: Non-Finnish European, 0.00017%; no homozygotes.

Submission:

Labcorp Genetics (formerly Invitae), Labcorp
Classification: Uncertain significance. Last evaluated: 2021-08-28. Review status: criteria provided, single submitter. Criteria: Invitae Variant Classification Sherloc (09022015). Collection method: clinical testing. Allele origin: germline.
Comment: This sequence change replaces arginine with proline at codon 1865 of the SZT2 protein (p.Arg1865Pro). The arginine residue is highly conserved and there is a moderate physicochemical difference between arginine and proline. This variant is not present in population databases (ExAC no frequency). This variant has not been reported in the literature in individuals affected with SZT2-related conditions. Algorithms developed to predict the effect of missense changes on protein structure and function are either unavailable or do not agree on the potential impact of this missense change (SIFT: "Tolerated"; PolyPhen-2: "Probably Damaging"; Align-GVGD: "Class C0"). In summary, the available evidence is currently insufficient to determine the role of this variant in disease. Therefore, it has been classified as a Variant of Uncertain Significance.